The following is an entry in ClinVar:

NM_006267.5(RANBP2):c.2904G>C (p.Gln968His)

Gene: RANBP2 (RAN binding protein 2; plus strand). Cytogenetic location: 2q13.
Variant type: single nucleotide variant.
Coding change: c.2904G>C on transcript NM_006267.5 (MANE Select); coding-DNA position 2904, G replaced by C.
Protein change: p.Gln968His; replaces glutamine 968 with histidine.
Molecular consequence: missense variant.
Genome position (GRCh38, 1-based): chr2:108,763,443, G>C. VCF-style: chr2-108763443-G-C. GRCh37 (hg19) VCF-style: chr2-109379899-G-C.
Other names: short protein forms Q968H.
Identifiers: ClinVar variation 537203 (VCV000537203.12), dbSNP rs149515235, ClinGen allele CA1822838.
Genomic context (GRCh38, chr2:108,763,443, plus strand): 5'-TCCTGCAACGGGAATTCTATCGCCCAGGGGTGATGATTACTTTAATTACAATGTTCAACA[G>C]ACAAGCACAAATCCACCTTTGCCAGAACCAGGATATTTCACAAAACCTCCGATTGCAGCT-3'
Protein context (NP_006258.3, residues 958-978): GDDYFNYNVQ[Gln968His]TSTNPPLPEP

ClinVar aggregate classification (germline): Uncertain significance. Review status: criteria provided, multiple submitters, no conflicts (2 of 4 stars). 2 submissions from 2 submitters: Uncertain significance (2). Last evaluated 2024-10-29.

Conditions:
Familial acute necrotizing encephalopathy (IIAE3). Also called: Susceptibility to Acute Necrotizing Encephalopathy 1; ENCEPHALOPATHY, ACUTE, INFECTION-INDUCED, SUSCEPTIBILITY TO, 3. Identifiers: Orphanet 88619, MedGen C2675556, MONDO:0011953, OMIM 608033.

Allele frequency attached by ClinVar (database versions not stated): ExAC 0.00008; ESP Exome Variant Server 0.00008; gnomAD exomes 0.00008 and 0.00027; gnomAD 0.00011; TOPMed 0.00012.
gnomAD v4.1: 416 of 1,613,902 alleles (0.026%); highest among the groups gnomAD compares: Non-Finnish European, 0.033%; no homozygotes.

Submissions (2):

Ambry Genetics
Classification: Uncertain significance. Last evaluated: 2024-10-29. Review status: criteria provided, single submitter. Criteria: Ambry Variant Classification Scheme 2023. Collection method: clinical testing. Allele origin: germline.

Labcorp Genetics (formerly Invitae), Labcorp
Classification: Uncertain significance for Familial acute necrotizing encephalopathy. Last evaluated: 2020-07-12. Review status: criteria provided, single submitter. Criteria: Invitae Variant Classification Sherloc (09022015). Collection method: clinical testing. Allele origin: germline.
Comment: In summary, the available evidence is currently insufficient to determine the role of this variant in disease. Therefore, it has been classified as a Variant of Uncertain Significance. Algorithms developed to predict the effect of missense changes on protein structure and function do not agree on the potential impact of this missense change (SIFT: "Deleterious"; PolyPhen-2: "Benign"; Align-GVGD: "Class C15"). This variant has not been reported in the literature in individuals with RANBP2-related disease. This variant is present in population databases (rs149515235, ExAC 0.02%), and has an allele count higher than expected for a pathogenic variant (PMID: 28166811). This sequence change replaces glutamine with histidine at codon 968 of the RANBP2 protein (p.Gln968His). The glutamine residue is highly conserved and there is a small physicochemical difference between glutamine and histidine.

Literature cited by the submitters: PubMed 28166811 (cited by Labcorp Genetics (formerly Invitae), Labcorp).